The following is an entry in ClinVar:

ClinVar aggregate classification (germline): Pathogenic/Likely pathogenic. Review status: criteria provided, multiple submitters, no conflicts (2 of 4 stars). 2 submissions from 2 submitters: Pathogenic (1); Likely pathogenic (1). Last evaluated 2025-01-21.

Conditions:
Leukoencephalopathy with brain stem and spinal cord involvement-high lactate syndrome (LBSL). Also called: LEUKOENCEPHALOPATHY WITH BRAINSTEM AND SPINAL CORD INVOLVEMENT AND LACTATE ELEVATION, MILD; MITOCHONDRIAL ASPARTYL-tRNA SYNTHETASE DEFICIENCY; Leukoencephalopathy with Brainstem and Spinal Cord Involvement and Lactate Elevation. Identifiers: Orphanet 137898, MedGen C1970180, MONDO:0012622, OMIM 611105.

Submissions (2):

Broad Center for Mendelian Genomics, Broad Institute of MIT and Harvard
Classification: Likely pathogenic for Leukoencephalopathy with brain stem and spinal cord involvement-high lactate syndrome. Last evaluated: 2025-01-21. Review status: criteria provided, single submitter. Criteria: ACMG Guidelines, 2015. Collection method: curation. Allele origin: germline. Inheritance: Autosomal recessive inheritance.
Comment: The p.Leu187CysfsTer3 variant in DARS2 has not been reported in the literature in individuals with leukoencephalopathy with brain stem and spinal cord involvement-high lactate syndrome, but has been identified in 0.002% (1/60022) of Admixed American chromosomes by the Genome Aggregation Database (gnomAD; dbSNP rs2102641279). Although this variant has been seen in the general population in a heterozygous state, its frequency is low enough to be consistent with a recessive carrier frequency. This variant has also been reported in ClinVar (Variation ID: 1372500) and has been interpreted as pathogenic by Invitae. This variant is predicted to cause a frameshift, which alters the protein's amino acid sequence beginning at position 187 and leads to a premature termination codon 3 amino acids downstream. This alteration is then predicted to lead to a truncated or absent protein. Loss of function of the DARS2 gene is an established disease mechanism in autosomal recessive leukoencephalopathy with brain stem and spinal cord involvement-high lactate syndrome. In summary, although additional studies are required to fully establish its clinical significance, this variant is likely pathogenic for autosomal recessive leukoencephalopathy with brain stem and spinal cord involvement-high lactate syndrome. ACMG/AMP Criteria applied: PVS1, PM2_supporting.

Labcorp Genetics (formerly Invitae), Labcorp
Classification: Pathogenic. Last evaluated: 2022-07-05. Review status: criteria provided, single submitter. Criteria: Invitae Variant Classification Sherloc (09022015). Collection method: clinical testing. Allele origin: germline.
Comment: This variant is not present in population databases (gnomAD no frequency). This sequence change creates a premature translational stop signal (p.Leu187Cysfs*3) in the DARS2 gene. It is expected to result in an absent or disrupted protein product. Loss-of-function variants in DARS2 are known to be pathogenic (PMID: 17384640, 24566671). This variant has not been reported in the literature in individuals affected with DARS2-related conditions. For these reasons, this variant has been classified as Pathogenic. ClinVar contains an entry for this variant (Variation ID: 1372500).

Literature cited by the submitters: PubMed 17384640 (cited by Labcorp Genetics (formerly Invitae), Labcorp); PubMed 24566671 (cited by Labcorp Genetics (formerly Invitae), Labcorp).

NM_018122.5(DARS2):c.559del (p.Leu187fs)

Gene: DARS2 (aspartyl-tRNA synthetase 2, mitochondrial; plus strand). Cytogenetic location: 1q25.1.
Variant type: Deletion.
Coding change: c.559del on transcript NM_018122.5 (MANE Select); coding-DNA position 559, one base deleted (C; older notation c.559delC).
Protein change: p.Leu187fs; shifts the reading frame from leucine 187.
Molecular consequence: frameshift variant.
Genome position (GRCh38, 1-based): chr1:173,833,442, C deleted; the last of 2 consecutive C bases (chr1:173,833,441-173,833,442); deleting either gives the same sequence. VCF-style (leftmost placement, unchanged base first): chr1-173833440-AC-A. GRCh37 (hg19) VCF-style: chr1-173802578-AC-A.
Other names: NM_018122.5(DARS2):c.559del; p.Leu187fs; c.559del, p.Leu187fs (NM_001365212.1, NM_001365213.2); short protein forms L187fs.
Identifiers: ClinVar variation 1372500 (VCV001372500.7), dbSNP rs2102641279, ClinGen allele CA2573131251.
Genomic context (GRCh38, chr1:173,833,440, plus strand): 5'-CAGAGGCTCTTCGGTTGCAGTATCGCTACTTAGACTTGCGTAGTTTCCAAATGCAGTATA[AC>A]CTGCGACTGAGGTCCCAGATGGTCATGAAAATGCGGGAATATCTCTGTAATCTGCATGGT-3'